The following is an entry in ClinVar:

ClinVar aggregate classification (germline): Benign/Likely benign. Review status: criteria provided, multiple submitters, no conflicts (2 of 4 stars). 5 submissions from 5 submitters: Benign (1); Likely benign (4). Last evaluated 2025-11-23.

Conditions:
Hereditary nonpolyposis colorectal neoplasms. Identifiers: MedGen C0009405, MeSH D003123.
Lynch syndrome 4 (LYNCH4). Also called: Hereditary non-polyposis colorectal cancer, type 4; Colorectal cancer, hereditary nonpolyposis, type 4. Identifiers: Orphanet 144, MedGen C1838333, MONDO:0013699, OMIM 614337. Disease mechanism: loss of function.
Hereditary cancer-predisposing syndrome. Also called: Hereditary Cancer Syndrome; Neoplastic Syndromes, Hereditary; Hereditary neoplastic syndrome; Tumor predisposition. Identifiers: Orphanet 140162, MedGen C0027672, MeSH D009386, MONDO:0015356.

Submissions (5):

Labcorp Genetics (formerly Invitae), Labcorp
Classification: Likely benign for Hereditary nonpolyposis colorectal neoplasms. Last evaluated: 2025-11-23. Review status: criteria provided, single submitter. Criteria: Invitae Variant Classification Sherloc (09022015). Collection method: clinical testing. Allele origin: germline.

Myriad Genetics, Inc.
Classification: Benign for Lynch syndrome 4. Last evaluated: 2025-02-04. Review status: criteria provided, single submitter. Criteria: Myriad Autosomal Dominant, Autosomal Recessive and X-Linked Classification Criteria (2023). Collection method: clinical testing. Allele origin: unknown.
Comment: This variant is considered benign. This variant is a silent/synonymous amino acid change and it is not expected to impact splicing.

Color Diagnostics, LLC DBA Color Health
Classification: Likely benign for Hereditary cancer-predisposing syndrome. Last evaluated: 2024-06-17. Review status: criteria provided, single submitter. Criteria: ACMG Guidelines, 2015. Collection method: clinical testing. Allele origin: germline.

Quest Diagnostics Nichols Institute San Juan Capistrano
Classification: Likely benign. Last evaluated: 2023-08-03. Review status: criteria provided, single submitter. Criteria: Quest Diagnostics criteria. Collection method: clinical testing. Allele origin: unknown.

Ambry Genetics
Classification: Likely benign for Hereditary cancer-predisposing syndrome. Last evaluated: 2019-11-21. Review status: criteria provided, single submitter. Criteria: Ambry Variant Classification Scheme 2023. Collection method: clinical testing. Allele origin: germline.

NM_000535.7(PMS2):c.2433C>T (p.Ala811=)

Gene: PMS2 (PMS1 homolog 2, mismatch repair system component; minus strand). Cytogenetic location: 7p22.1.
Variant type: single nucleotide variant.
Coding change: c.2433C>T on transcript NM_000535.7 (MANE Select); coding-DNA position 2433, C replaced by T.
Protein change: p.Ala811=; no amino-acid change (alanine 811 retained).
Molecular consequence: synonymous variant. On other transcripts: non-coding transcript variant (1).
Genome position (GRCh38, 1-based): chr7:5,977,600, G>A on the plus strand (C>T on the coding strand, the complement: PMS2 is on the minus strand). VCF-style: chr7-5977600-G-A. GRCh37 (hg19) VCF-style: chr7-6017231-G-A.
Other names: c.2277C>T, p.Ala759= (NM_001322006.2); c.2115C>T, p.Ala705= (NM_001322007.2, NM_001322008.2); c.2061C>T, p.Ala687= (NM_001322009.2); c.1872C>T, p.Ala624= (NM_001322010.2); c.1500C>T, p.Ala500= (NM_001322011.2, NM_001322012.2); c.1860C>T, p.Ala620= (NM_001322013.2); c.2466C>T, p.Ala822= (NM_001322014.2); c.2124C>T, p.Ala708= (NM_001322015.2); and 2 more.
Identifiers: ClinVar variation 698823 (VCV000698823.16), dbSNP rs1583279559, ClinGen allele CA453642305.